The following is an entry in ClinVar:

ClinVar aggregate classification (germline): Likely benign (0 of 4 stars; one submission).

Conditions:
CEP290-related disorder. Also called: CEP290-related condition; CEP290-related disorders. Identifiers: MedGen CN239314.

gnomAD v4.1: 1 of 1,582,344 alleles (0.000063%); highest among the groups gnomAD compares: East Asian, 0.0023%; no homozygotes.

Submission:

PreventionGenetics, part of Exact Sciences
Classification: Likely benign for CEP290-related condition. Last evaluated: 2022-09-09. Review status: no assertion criteria provided. Collection method: clinical testing. Allele origin: germline.
Comment: This variant is classified as likely benign based on ACMG/AMP sequence variant interpretation guidelines (Richards et al. 2015 PMID: 25741868, with internal and published modifications).

NM_025114.4(CEP290):c.6567C>T (p.Ser2189=)

Gene: CEP290 (centrosomal protein 290; minus strand). Cytogenetic location: 12q21.32.
Variant type: single nucleotide variant.
Coding change: c.6567C>T on transcript NM_025114.4 (MANE Select); coding-DNA position 6567, C replaced by T.
Protein change: p.Ser2189=; no amino-acid change (serine 2189 retained).
Molecular consequence: synonymous variant.
Genome position (GRCh38, 1-based): chr12:88,059,976, G>A on the plus strand (C>T on the coding strand, the complement: CEP290 is on the minus strand). VCF-style: chr12-88059976-G-A. GRCh37 (hg19) VCF-style: chr12-88453753-G-A.
Identifiers: ClinVar variation 3354398 (VCV003354398.1).